The following is an entry in ClinVar:

ClinVar aggregate classification (germline): Likely benign. Review status: criteria provided, single submitter (1 of 4 stars). 2 submissions from 2 submitters: Likely benign (1). 1 of the submissions does not count toward it. Last evaluated 2024-11-13.

Conditions:
ZNF592-related disorder. Also called: ZNF592-related condition.

Allele frequency attached by ClinVar (database versions not stated): gnomAD exomes 0.00010; ExAC 0.00026; gnomAD 0.00090; 1000 Genomes Project 0.00100; 1000 Genomes Project 30x 0.00125; ESP Exome Variant Server 0.00138.
gnomAD v4.1: 282 of 1,614,194 alleles (0.017%); highest among the groups gnomAD compares: African/African-American, 0.32%; no homozygotes.

Submissions (2):

Blueprint Genetics
Classification: Likely benign. Last evaluated: 2024-11-13. Review status: criteria provided, single submitter. Criteria: ACMG Guidelines, 2015. Collection method: clinical testing. Allele origin: germline.

PreventionGenetics, part of Exact Sciences
Classification: Likely benign for ZNF592-related condition. Last evaluated: 2019-12-06. Review status: no assertion criteria provided. Collection method: clinical testing. Allele origin: germline. Not counted in ClinVar's aggregate classification.
Comment: This variant is classified as likely benign based on ACMG/AMP sequence variant interpretation guidelines (Richards et al. 2015 PMID: 25741868, with internal and published modifications).

NM_014630.3(ZNF592):c.696G>A (p.Pro232=)

Gene: ZNF592 (zinc finger protein 592; plus strand). Cytogenetic location: 15q25.3.
Variant type: single nucleotide variant.
Coding change: c.696G>A on transcript NM_014630.3 (MANE Select); coding-DNA position 696, G replaced by A.
Protein change: p.Pro232=; no amino-acid change (proline 232 retained).
Molecular consequence: synonymous variant.
Genome position (GRCh38, 1-based): chr15:84,783,371, G>A. VCF-style: chr15-84783371-G-A. GRCh37 (hg19) VCF-style: chr15-85326602-G-A.
Identifiers: ClinVar variation 3052828 (VCV003052828.3), dbSNP rs150122607, ClinGen allele CA7708037.
Genomic context (GRCh38, chr15:84,783,371, plus strand): 5'-GGGGAGCCAGCAGGAACACGAGCAAAGTGGGCAGAACACAGTGGAACCTCACAAGGATCC[G>A]GATGCCACTCGATTCTTCGGGGAAGCTTTGGAGTTCAACAGCCATCCTAGCAACAGTATT-3'
Protein context (NP_055445.2, residues 222-242): GQNTVEPHKD[Pro232=]DATRFFGEAL